The following is an entry in ClinVar:

ClinVar aggregate classification (germline): Uncertain significance (1 of 4 stars; one submission).

Submission:

Ambry Genetics
Classification: Uncertain significance. Last evaluated: 2021-12-10. Review status: criteria provided, single submitter. Criteria: Ambry Variant Classification Scheme 2023. Collection method: clinical testing. Allele origin: germline.
Comment: The p.K1061T variant (also known as c.3182A>C), located in coding exon 27 of the PRKDC gene, results from an A to C substitution at nucleotide position 3182. The lysine at codon 1061 is replaced by threonine, an amino acid with similar properties. This amino acid position is conserved. In addition, the in silico prediction for this alteration is inconclusive. Since supporting evidence is limited at this time, the clinical significance of this alteration remains unclear.

NM_006904.7(PRKDC):c.3182A>C (p.Lys1061Thr)

Gene: PRKDC (protein kinase, DNA-activated, catalytic subunit; minus strand). Cytogenetic location: 8q11.21.
Variant type: single nucleotide variant.
Coding change: c.3182A>C on transcript NM_006904.7 (MANE Select); coding-DNA position 3182, A replaced by C.
Protein change: p.Lys1061Thr; replaces lysine 1061 with threonine.
Molecular consequence: missense variant.
Genome position (GRCh38, 1-based): chr8:47,902,656, T>G on the plus strand (A>C on the coding strand, the complement: PRKDC is on the minus strand). VCF-style: chr8-47902656-T-G. GRCh37 (hg19) VCF-style: chr8-48815216-T-G.
Other names: c.3182A>C, p.Lys1061Thr (NM_001081640.2); short protein forms K1061T.
Identifiers: ClinVar variation 1728553 (VCV001728553.2), dbSNP rs2551875566, ClinGen allele CA371156798.